The following is an entry in ClinVar:

NM_002633.3(PGM1):c.555A>C (p.Thr185=)

Gene: PGM1 (phosphoglucomutase 1; plus strand). Cytogenetic location: 1p31.3.
Variant type: single nucleotide variant.
Coding change: c.555A>C on transcript NM_002633.3 (MANE Select); coding-DNA position 555, A replaced by C.
Protein change: p.Thr185=; no amino-acid change (threonine 185 retained).
Molecular consequence: synonymous variant. On other transcripts: 5 prime UTR variant (1).
Genome position (GRCh38, 1-based): chr1:63,630,087, A>C. VCF-style: chr1-63630087-A-C. GRCh37 (hg19) VCF-style: chr1-64095758-A-C.
Other names: c.609A>C, p.Thr203= (NM_001172818.1); c.-37A>C (NM_001172819.2).
Identifiers: ClinVar variation 3686405 (VCV003686405.2).

ClinVar aggregate classification (germline): Uncertain significance (1 of 4 stars; one submission).

Conditions:
PGM1-congenital disorder of glycosylation. Also called: Congenital disorder of glycosylation type 1t; PHOSPHOGLUCOMUTASE 1 DEFICIENCY; PGM1 DEFICIENCY; GLYCOGEN STORAGE DISEASE XIV; GSD XIV; CDG It. Identifiers: Orphanet 319646, MedGen C2752015, MONDO:0013968, OMIM 614921.

gnomAD v4.1: 1 of 1,613,956 alleles (0.000062%); highest among the groups gnomAD compares: Non-Finnish European, 0.000085%; no homozygotes.

Submission:

Labcorp Genetics (formerly Invitae), Labcorp
Classification: Uncertain significance for PGM1-congenital disorder of glycosylation. Last evaluated: 2024-07-23. Review status: criteria provided, single submitter. Criteria: Invitae Variant Classification Sherloc (09022015). Collection method: clinical testing. Allele origin: germline.
Comment: This sequence change affects codon 185 of the PGM1 mRNA. It is a 'silent' change, meaning that it does not change the encoded amino acid sequence of the PGM1 protein. It affects a nucleotide within the consensus splice site. This variant is not present in population databases (gnomAD no frequency). This variant has not been reported in the literature in individuals affected with PGM1-related conditions. Algorithms developed to predict the effect of sequence changes on RNA splicing suggest that this variant may disrupt the consensus splice site. In summary, the available evidence is currently insufficient to determine the role of this variant in disease. Therefore, it has been classified as a Variant of Uncertain Significance.